The following is an entry in ClinVar:

NM_002843.4(PTPRJ):c.172A>T (p.Ile58Leu)

Gene: PTPRJ (protein tyrosine phosphatase receptor type J; plus strand). Cytogenetic location: 11p11.2.
Variant type: single nucleotide variant.
Coding change: c.172A>T on transcript NM_002843.4 (MANE Select); coding-DNA position 172, A replaced by T.
Protein change: p.Ile58Leu; replaces isoleucine 58 with leucine.
Molecular consequence: missense variant.
Genome position (GRCh38, 1-based): chr11:48,112,803, A>T. VCF-style: chr11-48112803-A-T. GRCh37 (hg19) VCF-style: chr11-48134355-A-T.
Other names: c.172A>T, p.Ile58Leu (NM_001098503.2); short protein forms I58L.
Identifiers: ClinVar variation 2635471 (VCV002635471.1), dbSNP rs2495125984, ClinGen allele CA380367107.

ClinVar aggregate classification (germline): Uncertain significance (1 of 4 stars; one submission).

Conditions:
PTPRJ-related disorder. Also called: PTPRJ-related condition.

Submission:

PreventionGenetics, part of Exact Sciences
Classification: Uncertain significance for PTPRJ-related condition. Last evaluated: 2022-11-19. Review status: criteria provided, single submitter. Criteria: ACMG Guidelines, 2015. Collection method: clinical testing. Allele origin: germline.
Comment: The PTPRJ c.172A>T variant is predicted to result in the amino acid substitution p.Ile58Leu. To our knowledge, this variant has not been reported in the literature or in a large population database, indicating this variant is rare. At this time, the clinical significance of this variant is uncertain due to the absence of conclusive functional and genetic evidence.